The following is an entry in ClinVar:

ClinVar aggregate classification (germline): Uncertain significance (1 of 4 stars; one submission).

Conditions:
Primary ciliary dyskinesia. Also called: Ciliary dyskinesia. Identifiers: Orphanet 244, MedGen C0008780, MONDO:0016575, HP:0012265.

Submission:

Labcorp Genetics (formerly Invitae), Labcorp
Classification: Uncertain significance for Primary ciliary dyskinesia. Last evaluated: 2025-10-22. Review status: criteria provided, single submitter. Criteria: Invitae Variant Classification Sherloc (09022015). Collection method: clinical testing. Allele origin: germline.
Comment: This sequence change replaces glutamic acid, which is acidic and polar, with lysine, which is basic and polar, at codon 685 of the RSPH4A protein (p.Glu685Lys). This variant is not present in population databases (gnomAD no frequency). This variant has not been reported in the literature in individuals affected with RSPH4A-related conditions. Invitae Evidence Modeling of protein sequence and biophysical properties (such as structural, functional, and spatial information, amino acid conservation, physicochemical variation, residue mobility, and thermodynamic stability) indicates that this missense variant is expected to disrupt RSPH4A protein function with a positive predictive value of 80%. In summary, the available evidence is currently insufficient to determine the role of this variant in disease. Therefore, it has been classified as a Variant of Uncertain Significance.

NM_001010892.3(RSPH4A):c.2053G>A (p.Glu685Lys)

Gene: RSPH4A (radial spoke head component 4A; plus strand). Cytogenetic location: 6q22.1.
Variant type: single nucleotide variant.
Coding change: c.2053G>A on transcript NM_001010892.3 (MANE Select); coding-DNA position 2053, G replaced by A.
Protein change: p.Glu685Lys; replaces glutamic acid 685 with lysine.
Molecular consequence: missense variant. On other transcripts: 3 prime UTR variant (1).
Genome position (GRCh38, 1-based): chr6:116,632,343, G>A. VCF-style: chr6-116632343-G-A. GRCh37 (hg19) VCF-style: chr6-116953506-G-A.
Other names: c.*114G>A (NM_001161664.2); short protein forms E685K.
Identifiers: ClinVar variation 4738088 (VCV004738088.1).